The following is an entry in ClinVar:

NM_001018005.2(TPM1):c.679G>A (p.Val227Ile)

Gene: TPM1 (tropomyosin 1; plus strand). Cytogenetic location: 15q22.2.
Variant type: single nucleotide variant.
Coding change: c.679G>A on transcript NM_001018005.2 (MANE Select); coding-DNA position 679, G replaced by A.
Protein change: p.Val227Ile; replaces valine 227 with isoleucine.
Molecular consequence: missense variant. On other transcripts: non-coding transcript variant (17).
Genome position (GRCh38, 1-based): chr15:63,062,254, G>A. VCF-style: chr15-63062254-G-A. GRCh37 (hg19) VCF-style: chr15-63354453-G-A.
Other names: c.679G>A, p.Val227Ile (NM_000366.6, NM_001018004.2, NM_001018006.2 and 20 more transcripts); c.571G>A, p.Val191Ile (NM_001018008.2, NM_001301289.2, NM_001330344.2 and 9 more transcripts); c.805G>A, p.Val269Ile (NM_001365778.1, NM_001407322.1, NM_001407323.1 and 1 more transcripts); short protein forms V191I, V227I, V269I.
Identifiers: ClinVar variation 4758553 (VCV004758553.2).

ClinVar aggregate classification (germline): Uncertain significance. Review status: criteria provided, multiple submitters, no conflicts (2 of 4 stars). 2 submissions from 2 submitters: Uncertain significance (2). Last evaluated 2025-11-23.

Conditions:
Hypertrophic cardiomyopathy. Also called: HYPERTROPHIC MYOCARDIOPATHY. Identifiers: Orphanet 217569, MedGen C0007194, MeSH D002312, MONDO:0005045, HP:0001639.
Cardiomyopathy (CMYO). Also called: Cardiomyopathies. Identifiers: Orphanet 167848, MedGen C0878544, MONDO:0004994, HP:0001638. Inheritance: Various modes of inheritance.

gnomAD v4.1: 1 of 1,614,110 alleles (0.000062%); highest among the groups gnomAD compares: Non-Finnish European, 0.000085%; no homozygotes.

Submissions (2):

Labcorp Genetics (formerly Invitae), Labcorp
Classification: Uncertain significance for Hypertrophic cardiomyopathy. Last evaluated: 2025-11-23. Review status: criteria provided, single submitter. Criteria: Invitae Variant Classification Sherloc (09022015). Collection method: clinical testing. Allele origin: germline.
Comment: This sequence change replaces valine, which is neutral and non-polar, with isoleucine, which is neutral and non-polar, at codon 227 of the TPM1 protein (p.Val227Ile). This variant is not present in population databases (gnomAD no frequency). This variant has not been reported in the literature in individuals affected with TPM1-related conditions. An algorithm developed to predict the effect of missense changes on protein structure and function (PolyPhen-2) suggests that this variant is likely to be tolerated. In summary, the available evidence is currently insufficient to determine the role of this variant in disease. Therefore, it has been classified as a Variant of Uncertain Significance.

Color Diagnostics, LLC DBA Color Health
Classification: Uncertain significance for Cardiomyopathy. Last evaluated: 2025-07-18. Review status: criteria provided, single submitter. Criteria: ACMG Guidelines, 2015. Collection method: clinical testing. Allele origin: germline.
Comment: This missense variant replaces valine with isoleucine at codon 227 of the TPM1 protein. Computational prediction suggests that this variant may not impact protein structure and function. To our knowledge, functional studies have not been reported for this variant. This variant has not been reported in individuals affected with TPM1-related disorders in the literature. This variant has not been identified in the general population by the Genome Aggregation Database (gnomAD). The available evidence is insufficient to determine the role of this variant in disease conclusively. Therefore, this variant is classified as a Variant of Uncertain Significance.